The following is an entry in ClinVar:

NM_005334.3(HCFC1):c.5380-21C>T

Gene: HCFC1 (host cell factor C1; minus strand). Cytogenetic location: Xq28.
Variant type: single nucleotide variant.
Coding change: c.5380-21C>T on transcript NM_005334.3 (MANE Select); 21 bases into the intron before coding-DNA position 5380, C replaced by T.
Molecular consequence: intron variant.
Genome position (GRCh38, 1-based): chrX:153,951,508, G>A on the plus strand (C>T on the coding strand, the complement: HCFC1 is on the minus strand). VCF-style: chrX-153951508-G-A. GRCh37 (hg19) VCF-style: chrX-153216959-G-A.
Other names: p.?; c.5182-21C>T (NM_001440851.1); c.5314-21C>T (NM_001440850.1); c.5389-21C>T (NM_001440848.1); c.5383-21C>T (NM_001440849.1); c.5392-21C>T (NM_001440847.1); c.5509-21C>T (NM_001440846.1); c.5512-21C>T (NM_001440845.1, NM_001440844.1); and 2 more.
Identifiers: ClinVar variation 4684539 (VCV004684539.1).

ClinVar aggregate classification (germline): Benign (1 of 4 stars; one submission).

gnomAD v4.1: 1,608 of 1,208,848 alleles (0.13%); highest among the groups gnomAD compares: African/African-American, 2.5%; 14 homozygotes.

Submission:

Mayo Clinic Laboratories, Mayo Clinic
Classification: Benign. Last evaluated: 2025-01-20. Review status: criteria provided, single submitter. Criteria: ACMG Guidelines, 2015. Collection method: clinical testing. Allele origin: germline. Observed: 1 variant allele.
Comment: BS1, BS2, BP4, BP7